The following is an entry in ClinVar:

ClinVar aggregate classification (germline): Benign/Likely benign. Review status: criteria provided, multiple submitters, no conflicts (2 of 4 stars). 7 submissions from 7 submitters: Benign (3); Likely benign (4). Last evaluated 2026-02-01.

Conditions:
Congenital myasthenic syndrome 8. Also called: MYASTHENIC SYNDROME, CONGENITAL, DUE TO AGRIN DEFICIENCY; Myasthenic syndrome, congenital, 8, with pre- and postsynaptic defects. Identifiers: Orphanet 590, MedGen C3808739, MONDO:0014052, OMIM 615120.

Allele frequency attached by ClinVar (database versions not stated): gnomAD exomes 0.00492; ExAC 0.00537; gnomAD 0.00678 and 0.00697; TOPMed 0.00746; ESP Exome Variant Server 0.00748; 1000 Genomes Project 0.00819; 1000 Genomes Project 30x 0.00859.
gnomAD v4.1: 9,579 of 1,599,186 alleles (0.6%); highest among the groups gnomAD compares: African/African-American, 1.1%; 37 homozygotes.

Submissions (7):

Labcorp Genetics (formerly Invitae), Labcorp
Classification: Benign for Congenital myasthenic syndrome 8. Last evaluated: 2026-02-01. Review status: criteria provided, single submitter. Criteria: Invitae Variant Classification Sherloc (09022015). Collection method: clinical testing. Allele origin: germline.

CeGaT Center for Human Genetics Tuebingen
Classification: Benign. Last evaluated: 2025-08-01. Review status: criteria provided, single submitter. Criteria: CeGaT Center For Human Genetics Tuebingen Variant Classification Criteria Version 2. Collection method: clinical testing. Allele origin: germline. Affected: yes. Observed: 3 variant alleles.
Comment: AGRN: BS1, BS2

Blueprint Genetics
Classification: Likely benign. Last evaluated: 2024-11-25. Review status: criteria provided, single submitter. Criteria: ACMG Guidelines, 2015. Collection method: clinical testing. Allele origin: germline.

Fulgent Genetics
Classification: Likely benign for Congenital myasthenic syndrome 8. Last evaluated: 2022-04-26. Review status: criteria provided, single submitter. Criteria: ACMG Guidelines, 2015. Collection method: clinical testing. Allele origin: unknown.

GeneDx
Classification: Likely benign. Last evaluated: 2017-07-12. Review status: criteria provided, single submitter. Criteria: GeneDx Variant Classification (06012015). Collection method: clinical testing. Allele origin: germline. Affected: yes.
Comment: This variant is considered likely benign or benign based on one or more of the following criteria: it is a conservative change, it occurs at a poorly conserved position in the protein, it is predicted to be benign by multiple in silico algorithms, and/or has population frequency not consistent with disease.

Breakthrough Genomics
Classification: Likely benign. Review status: criteria provided, single submitter. Criteria: ACMG Guidelines, 2015. Collection method: not provided. Allele origin: germline. Inheritance: Autosomal recessive inheritance. Affected: yes.

PreventionGenetics, part of Exact Sciences
Classification: Benign. Review status: criteria provided, single submitter. Criteria: ACMG Guidelines, 2015. Collection method: clinical testing. Allele origin: germline.

NM_198576.4(AGRN):c.1603+19G>A

Gene: AGRN (agrin; plus strand). Cytogenetic location: 1p36.33.
Variant type: single nucleotide variant.
Coding change: c.1603+19G>A on transcript NM_198576.4 (MANE Select); 19 bases into the intron after coding-DNA position 1603, G replaced by A.
Molecular consequence: intron variant.
Genome position (GRCh38, 1-based): chr1:1,043,476, G>A. VCF-style: chr1-1043476-G-A. GRCh37 (hg19) VCF-style: chr1-978856-G-A.
Other names: c.1603+19G>A (NM_001305275.2); c.1288+19G>A (NM_001364727.2).
Identifiers: ClinVar variation 263164 (VCV000263164.25), dbSNP rs115191992, ClinGen allele CA508247.